The following is an entry in ClinVar:

ClinVar aggregate classification (germline): Pathogenic (1 of 4 stars; one submission).

Conditions:
Hereditary angioedema type 1 (HAE1). Identifiers: Orphanet 100050, Orphanet 100051, Orphanet 91378, MedGen C2717906, MONDO:0015053, OMIM 106100.

Submission:

Department of Immunology and Histocompatibility, University of Thessaly
Classification: Pathogenic for Hereditary angioedema type 1. Review status: criteria provided, single submitter. Criteria: ACMG Guidelines, 2015. Collection method: clinical testing. Allele origin: germline. Affected: yes. Observed: 5 variant alleles.
Comment: The c.-22-155G > T variant was detected in intron 1 of the SERPING1 gene in two unrelated male C1-INH HAE Type I patients (Vatsiou et al., 2020). Pedigree analysis was performed in one Greek family, in which the c.-22-155G > T variant co-segregated with C1-INH-HAE in all of the 4 analyzed patients, while it was absent from 3 healthy family members. Multiple bioinformatics tools predicted that the variant causes a deleterious effect. Degradation of the mutated allele was demonstrated by the loss of heterozygosity on the cDNA level. It was not detected amongst the 31360 individuals of the Genome Aggregation Database (gnomAD), indicating that it is not a common variant. Taking all the above into account and according to ACMG Guidelines (Criteria: PP1 criterion used as strong evidence, PS3, PS4, PM2, PP3, PP4) the variant is considered pathogenic.

Literature cited by the submitters: PubMed 31959500.

NM_000062.3(SERPING1):c.-22-155G>T

Gene: SERPING1 (serpin family G member 1; plus strand). Cytogenetic location: 11q12.1.
Variant type: single nucleotide variant.
Coding change: c.-22-155G>T on transcript NM_000062.3 (MANE Select); 155 bases into the intron before 22 bases upstream of the start codon, G replaced by T.
Molecular consequence: intron variant.
Genome position (GRCh38, 1-based): chr11:57,598,094, G>T. VCF-style: chr11-57598094-G-T. GRCh37 (hg19) VCF-style: chr11-57365567-G-T.
Identifiers: ClinVar variation 870444 (VCV000870444.2), dbSNP rs1945307391, ClinGen allele CA916080424.